The following is an entry in ClinVar:

NM_177438.3(DICER1):c.1925_1926del (p.Pro642fs)

Gene: DICER1 (dicer 1, ribonuclease III; minus strand). Cytogenetic location: 14q32.13.
Variant type: Deletion.
Coding change: c.1925_1926del on transcript NM_177438.3 (MANE Select); coding-DNA positions 1925 to 1926, 2 bases deleted (CA; older notation c.1925_1926delCA).
Protein change: p.Pro642fs; shifts the reading frame from proline 642.
Molecular consequence: frameshift variant. On other transcripts: non-coding transcript variant (6).
Genome position (GRCh38, 1-based): chr14:95,113,206-95,113,207, TG deleted on the plus strand (CA on the coding strand, the reverse complement: DICER1 is on the minus strand). VCF-style (leftmost placement, unchanged base first): chr14-95113205-TTG-T. GRCh37 (hg19) VCF-style: chr14-95579542-TTG-T.
Other names: c.1925_1926del, p.Pro642fs (NM_001395694.1, NM_001395695.1, NM_030621.4 and 12 more transcripts); c.1520_1521del, p.Pro507fs (NM_001395696.1, NM_001395698.1, NM_001395687.1 and 3 more transcripts); c.242_243del, p.Pro81fs (NM_001395697.1); c.1643_1644del, p.Pro548fs (NM_001395686.1); c.1358_1359del, p.Pro453fs (NM_001395691.1); short protein forms P81fs, P507fs, P453fs, P548fs, P642fs.
Identifiers: ClinVar variation 4712402 (VCV004712402.1).

ClinVar aggregate classification (germline): Pathogenic (1 of 4 stars; one submission).

Conditions:
DICER1-related tumor predisposition. Also called: DICER1 syndrome; DICER1-related pleuropulmonary blastoma cancer predisposition syndrome. Identifiers: Orphanet 284343, MedGen C3839822, MONDO:0100216.

Submission:

Labcorp Genetics (formerly Invitae), Labcorp
Classification: Pathogenic for DICER1-related tumor predisposition. Last evaluated: 2025-02-06. Review status: criteria provided, single submitter. Criteria: Invitae Variant Classification Sherloc (09022015). Collection method: clinical testing. Allele origin: germline.
Comment: This sequence change creates a premature translational stop signal (p.Pro642Glnfs*2) in the DICER1 gene. It is expected to result in an absent or disrupted protein product. Loss-of-function variants in DICER1 are known to be pathogenic (PMID: 19556464, 21266384). This variant is not present in population databases (gnomAD no frequency). This variant has not been reported in the literature in individuals affected with DICER1-related conditions. For these reasons, this variant has been classified as Pathogenic.

Literature cited by the submitters: PubMed 19556464; PubMed 21266384.